The following is an entry in ClinVar:

NM_001848.3(COL6A1):c.904-3T>G

Gene: COL6A1 (collagen type VI alpha 1 chain; plus strand). Cytogenetic location: 21q22.3.
Variant type: single nucleotide variant.
Coding change: c.904-3T>G on transcript NM_001848.3 (MANE Select); 3 bases into the intron before coding-DNA position 904, T replaced by G.
Molecular consequence: intron variant.
Genome position (GRCh38, 1-based): chr21:45,989,749, T>G. VCF-style: chr21-45989749-T-G. GRCh37 (hg19) VCF-style: chr21-47409663-T-G.
Identifiers: ClinVar variation 1998204 (VCV001998204.4), dbSNP rs2526322048, ClinGen allele CA2580098923.

ClinVar aggregate classification (germline): Uncertain significance (1 of 4 stars; one submission).

Conditions:
Bethlem myopathy 1A. Also called: MYOPATHY, BENIGN CONGENITAL, WITH CONTRACTURES; Bethlem myopathy 1; Bethlem Muscular Dystrophy. Identifiers: Orphanet 610, MedGen CN029274, MONDO:0024530, OMIM 158810.

Submission:

Labcorp Genetics (formerly Invitae), Labcorp
Classification: Uncertain significance for Bethlem myopathy 1A. Last evaluated: 2022-05-24. Review status: criteria provided, single submitter. Criteria: Invitae Variant Classification Sherloc (09022015). Collection method: clinical testing. Allele origin: germline.
Comment: In summary, the available evidence is currently insufficient to determine the role of this variant in disease. Therefore, it has been classified as a Variant of Uncertain Significance. Variants that disrupt the consensus splice site are a relatively common cause of aberrant splicing (PMID: 17576681, 9536098). Algorithms developed to predict the effect of sequence changes on RNA splicing suggest that this variant may disrupt the consensus splice site. This variant has not been reported in the literature in individuals affected with COL6A1-related conditions. This variant is not present in population databases (gnomAD no frequency). This sequence change falls in intron 10 of the COL6A1 gene. It does not directly change the encoded amino acid sequence of the COL6A1 protein. It affects a nucleotide within the consensus splice site.

Literature cited by the submitters: PubMed 17576681; PubMed 9536098.